The following is an entry in ClinVar:

ClinVar aggregate classification (germline): Likely benign (0 of 4 stars; one submission).

Conditions:
PLXNA4-related disorder. Also called: PLXNA4-related condition.

gnomAD v4.1: 1 of 1,606,818 alleles (0.000062%); highest among the groups gnomAD compares: African/African-American, 0.0013%; no homozygotes.

Submission:

PreventionGenetics, part of Exact Sciences
Classification: Likely benign for PLXNA4-related condition. Last evaluated: 2024-06-22. Review status: no assertion criteria provided. Collection method: clinical testing. Allele origin: germline.
Comment: This variant is classified as likely benign based on ACMG/AMP sequence variant interpretation guidelines (Richards et al. 2015 PMID: 25741868, with internal and published modifications).

NM_020911.2(PLXNA4):c.4056G>A (p.Leu1352=)

Gene: PLXNA4 (plexin A4; minus strand). Cytogenetic location: 7q32.3.
Variant type: single nucleotide variant.
Coding change: c.4056G>A on transcript NM_020911.2 (MANE Select); coding-DNA position 4056, G replaced by A.
Protein change: p.Leu1352=; no amino-acid change (leucine 1352 retained).
Molecular consequence: synonymous variant.
Genome position (GRCh38, 1-based): chr7:132,168,534, C>T on the plus strand (G>A on the coding strand, the complement: PLXNA4 is on the minus strand). VCF-style: chr7-132168534-C-T. GRCh37 (hg19) VCF-style: chr7-131853293-C-T.
Other names: c.4056G>A, p.Leu1352= (NM_001393897.1).
Identifiers: ClinVar variation 3345318 (VCV003345318.1).